The following is an entry in ClinVar:

NM_025081.3(NYNRIN):c.2606T>C (p.Leu869Pro)

Gene: NYNRIN (NYN domain and retroviral integrase containing; plus strand). Cytogenetic location: 14q12.
Variant type: single nucleotide variant.
Coding change: c.2606T>C on transcript NM_025081.3 (MANE Select); coding-DNA position 2606, T replaced by C.
Protein change: p.Leu869Pro; replaces leucine 869 with proline.
Molecular consequence: missense variant.
Genome position (GRCh38, 1-based): chr14:24,411,414, T>C. VCF-style: chr14-24411414-T-C. GRCh37 (hg19) VCF-style: chr14-24880620-T-C.
Other names: short protein forms L869P.
Identifiers: ClinVar variation 3632846 (VCV003632846.2).

ClinVar aggregate classification (germline): Uncertain significance (1 of 4 stars; one submission).

gnomAD v4.1: 3 of 1,613,840 alleles (0.00019%); highest among the groups gnomAD compares: South Asian, 0.0011%; no homozygotes.

Submission:

Labcorp Genetics (formerly Invitae), Labcorp
Classification: Uncertain significance. Last evaluated: 2024-10-29. Review status: criteria provided, single submitter. Criteria: Invitae Variant Classification Sherloc (09022015). Collection method: clinical testing. Allele origin: germline.
Comment: This sequence change replaces leucine, which is neutral and non-polar, with proline, which is neutral and non-polar, at codon 869 of the NYNRIN protein (p.Leu869Pro). This variant is present in population databases (no rsID available, gnomAD 0.003%). This variant has not been reported in the literature in individuals affected with NYNRIN-related conditions. Experimental studies and prediction algorithms are not available or were not evaluated, and the functional significance of this variant is currently unknown. In summary, the available evidence is currently insufficient to determine the role of this variant in disease. Therefore, it has been classified as a Variant of Uncertain Significance.